The following is an entry in ClinVar:

ClinVar aggregate classification (germline): Uncertain significance (1 of 4 stars; one submission).

Conditions:
Dyskeratosis congenita, autosomal dominant 1 (DKCA1). Also called: Dyskeratosis congenita Scoggins type. Identifiers: Orphanet 1775, MedGen C4551974, MONDO:0007485, OMIM 127550. Inheritance: Variable.

Allele frequency attached by ClinVar (database versions not stated): gnomAD exomes below 0.00001 and 0.00001; TOPMed 0.00001; ExAC 0.00002.
gnomAD v4.1: 2 of 723,918 alleles (0.00028%); highest among the groups gnomAD compares: Admixed American, 0.0038%; no homozygotes.

Submission:

Labcorp Genetics (formerly Invitae), Labcorp
Classification: Uncertain significance for Dyskeratosis congenita, autosomal dominant 1. Last evaluated: 2024-12-09. Review status: criteria provided, single submitter. Criteria: Invitae Variant Classification Sherloc (09022015). Collection method: clinical testing. Allele origin: germline.
Comment: This variant occurs in the TERC gene, which encodes an RNA molecule that does not result in a protein product. This variant is present in population databases (rs776902194, gnomAD 0.007%). This variant has not been reported in the literature in individuals affected with TERC-related conditions. ClinVar contains an entry for this variant (Variation ID: 966538). This variant is located within the BoxH/ACA scaRNA domain of the TERC RNA component, which is required for telomerase activity (PMID: 21844345). In summary, the available evidence is currently insufficient to determine the role of this variant in disease. Therefore, it has been classified as a Variant of Uncertain Significance.

Literature cited by the submitters: PubMed 21844345.

NC_000003.12:g.169764638G>A

Gene: TERC (telomerase RNA component; minus strand). Cytogenetic location: 3q26.2.
Variant type: single nucleotide variant.
Genome position: GRCh38 VCF-style: chr3-169764638-G-A. GRCh37 (hg19) VCF-style: chr3-169482426-G-A.
Identifiers: ClinVar variation 966538 (VCV000966538.9), dbSNP rs776902194, ClinGen allele CA2696784.